The following is an entry in ClinVar:

ClinVar aggregate classification (germline): Uncertain significance (1 of 4 stars; one submission).

Allele frequency attached by ClinVar (database versions not stated): gnomAD 0.00001; TOPMed 0.00001.

Submission:

Labcorp Genetics (formerly Invitae), Labcorp
Classification: Uncertain significance. Last evaluated: 2022-02-02. Review status: criteria provided, single submitter. Criteria: Invitae Variant Classification Sherloc (09022015). Collection method: clinical testing. Allele origin: germline.
Comment: In summary, the available evidence is currently insufficient to determine the role of this variant in disease. Therefore, it has been classified as a Variant of Uncertain Significance. Algorithms developed to predict the effect of missense changes on protein structure and function are either unavailable or do not agree on the potential impact of this missense change (SIFT: "Deleterious"; PolyPhen-2: "Probably Damaging"; Align-GVGD: "Class C0"). This variant has not been reported in the literature in individuals affected with ACACA-related conditions. This variant is not present in population databases (gnomAD no frequency). This sequence change replaces leucine, which is neutral and non-polar, with valine, which is neutral and non-polar, at codon 122 of the ACACA protein (p.Leu122Val).

NM_198834.3(ACACA):c.475C>G (p.Leu159Val)

Gene: ACACA (acetyl-CoA carboxylase alpha; minus strand). Cytogenetic location: 17q12.
Variant type: single nucleotide variant.
Coding change: c.475C>G on transcript NM_198834.3 (MANE Select); coding-DNA position 475, C replaced by G.
Protein change: p.Leu159Val; replaces leucine 159 with valine.
Molecular consequence: missense variant.
Genome position (GRCh38, 1-based): chr17:37,283,402, G>C on the plus strand (C>G on the coding strand, the complement: ACACA is on the minus strand). VCF-style: chr17-37283402-G-C. GRCh37 (hg19) VCF-style: chr17-35640303-G-C.
Other names: c.364C>G, p.Leu122Val (NM_198836.3, NM_198839.3); c.190C>G, p.Leu64Val (NM_198837.2); c.130C>G, p.Leu44Val (NM_198838.2); short protein forms L122V, L159V, L44V, L64V.
Identifiers: ClinVar variation 1944666 (VCV001944666.5), dbSNP rs1365899062, ClinGen allele CA398757185.
Genomic context (GRCh38, chr17:37,283,402, plus strand): 5'-AAGACCACCTACGGATAGACCGCATGCATTTCACTGCTGCAATGCCATTGTTAGCAATAA[G>C]AACCTGGGAGGGGGAAGGAGATGGGAATGGGAAGAAAAGGCAGAAAAAAGCAACAATGGA-3'
Protein context (NP_942131.1, residues 149-169): FGGNKVIEKV[Leu159Val]IANNGIAAVK